The following is an entry in ClinVar:

ClinVar aggregate classification (germline): Uncertain significance (1 of 4 stars; one submission).

Conditions:
Inborn genetic diseases. Identifiers: MedGen C0950123, MeSH D030342.

Submission:

Ambry Genetics
Classification: Uncertain significance for Inborn genetic diseases. Last evaluated: 2025-05-22. Review status: criteria provided, single submitter. Criteria: Ambry Variant Classification Scheme 2023. Collection method: clinical testing. Allele origin: germline.
Comment: The p.G178R variant (also known as c.532G>C), located in coding exon 5 of the BUB1B gene, results from a G to C substitution at nucleotide position 532. The glycine at codon 178 is replaced by arginine, an amino acid with dissimilar properties. This amino acid position is conserved. In addition, this alteration is predicted to be deleterious by in silico analysis. Based on the available evidence, the clinical significance of this variant remains unclear.

NM_001211.6(BUB1B):c.532G>C (p.Gly178Arg)

Gene: BUB1B (BUB1 mitotic checkpoint serine/threonine kinase B; plus strand). Cytogenetic location: 15q15.1.
Variant type: single nucleotide variant.
Coding change: c.532G>C on transcript NM_001211.6 (MANE Select); coding-DNA position 532, G replaced by C.
Protein change: p.Gly178Arg; replaces glycine 178 with arginine.
Molecular consequence: missense variant.
Genome position (GRCh38, 1-based): chr15:40,176,624, G>C. VCF-style: chr15-40176624-G-C. GRCh37 (hg19) VCF-style: chr15-40468825-G-C.
Other names: short protein forms G178R.
Identifiers: ClinVar variation 3993732 (VCV003993732.1).
Genomic context (GRCh38, chr15:40,176,624, plus strand): 5'-TGGGCAGAAGAATATGAAGCTAGAGAAAACTTTAGGAAAGCAGATGCGATATTTCAGGAA[G>C]GGATTCAACAGAAGGCTGAACCACTAGAAAGACTACAGTCCCAGCACCGGTAAACTTTCT-3'
Protein context (NP_001202.5, residues 168-188): FRKADAIFQE[Gly178Arg]IQQKAEPLER